The following is an entry in ClinVar:

ClinVar aggregate classification (germline): Uncertain significance. Review status: criteria provided, single submitter (1 of 4 stars). 2 submissions from 2 submitters: Uncertain significance (1). 1 of the submissions does not count toward it. Last evaluated 2021-09-02.

Conditions:
Lysinuric protein intolerance (LPI). Identifiers: Orphanet 470, MedGen C0268647, MONDO:0009109, OMIM 222700.

gnomAD v4.1: 1 of 1,614,220 alleles (0.000062%); no homozygotes.

Submissions (2):

Labcorp Genetics (formerly Invitae), Labcorp
Classification: Uncertain significance for Lysinuric protein intolerance. Last evaluated: 2021-09-02. Review status: criteria provided, single submitter. Criteria: Invitae Variant Classification Sherloc (09022015). Collection method: clinical testing. Allele origin: germline.
Comment: This sequence change replaces isoleucine with methionine at codon 422 of the SLC7A7 protein (p.Ile422Met). The isoleucine residue is moderately conserved and there is a small physicochemical difference between isoleucine and methionine. This variant is not present in population databases (ExAC no frequency). This variant has not been reported in the literature in individuals affected with SLC7A7-related conditions. Algorithms developed to predict the effect of missense changes on protein structure and function (SIFT, PolyPhen-2, Align-GVGD) all suggest that this variant is likely to be tolerated. In summary, the available evidence is currently insufficient to determine the role of this variant in disease. Therefore, it has been classified as a Variant of Uncertain Significance.

Natera, Inc.
Classification: Uncertain significance for Lysinuric protein intolerance. Last evaluated: 2021-06-21. Review status: no assertion criteria provided. Collection method: clinical testing. Allele origin: germline. Not counted in ClinVar's aggregate classification.

NM_003982.4(SLC7A7):c.1266T>G (p.Ile422Met)

Gene: SLC7A7 (solute carrier family 7 member 7; minus strand). Cytogenetic location: 14q11.2.
Variant type: single nucleotide variant.
Coding change: c.1266T>G on transcript NM_003982.4 (MANE Select); coding-DNA position 1266, T replaced by G.
Protein change: p.Ile422Met; replaces isoleucine 422 with methionine.
Molecular consequence: missense variant.
Genome position (GRCh38, 1-based): chr14:22,774,096, A>C on the plus strand (T>G on the coding strand, the complement: SLC7A7 is on the minus strand). VCF-style: chr14-22774096-A-C. GRCh37 (hg19) VCF-style: chr14-23243305-A-C.
Other names: c.1266T>G, p.Ile422Met (NM_001126105.3, NM_001126106.4); short protein forms I422M.
Identifiers: ClinVar variation 970363 (VCV000970363.10), dbSNP rs1594942768, ClinGen allele CA388921396.